The following is an entry in ClinVar:

ClinVar aggregate classification (germline): Uncertain significance. Review status: criteria provided, multiple submitters, no conflicts (2 of 4 stars). 2 submissions from 2 submitters: Uncertain significance (2). Last evaluated 2025-08-09.

Conditions:
Pulmonary fibrosis and/or bone marrow failure, Telomere-related, 3. Also called: PULMONARY FIBROSIS AND/OR BONE MARROW FAILURE SYNDROME, TELOMERE-RELATED, 3. Identifiers: Orphanet 2032, MedGen C4225346, MONDO:0014613, OMIM 616373.
Dyskeratosis congenita, autosomal recessive 5 (DKCB5). Identifiers: MedGen C3554656, MONDO:0014076, OMIM 615190.
Inborn genetic diseases. Identifiers: MedGen C0950123, MeSH D030342.

Allele frequency attached by ClinVar (database versions not stated): gnomAD exomes below 0.00001.
gnomAD v4.1: 2 of 1,610,718 alleles (0.00012%); highest among the groups gnomAD compares: South Asian, 0.0011%; no homozygotes.

Submissions (2):

Ambry Genetics
Classification: Uncertain significance for Inborn genetic diseases. Last evaluated: 2025-08-09. Review status: criteria provided, single submitter. Criteria: Ambry Variant Classification Scheme 2023. Collection method: clinical testing. Allele origin: germline.
Comment: The p.I602T variant (also known as c.1805T>C), located in coding exon 21 of the RTEL1 gene, results from a T to C substitution at nucleotide position 1805. The isoleucine at codon 602 is replaced by threonine, an amino acid with similar properties. This amino acid position is conserved. In addition, the in silico prediction for this alteration is inconclusive. Based on the available evidence, the clinical significance of this variant remains unclear.

Labcorp Genetics (formerly Invitae), Labcorp
Classification: Uncertain significance for Dyskeratosis congenita, autosomal recessive 5; Pulmonary fibrosis and/or bone marrow failure, Telomere-related, 3. Last evaluated: 2023-03-01. Review status: criteria provided, single submitter. Criteria: Invitae Variant Classification Sherloc (09022015). Collection method: clinical testing. Allele origin: germline.
Comment: This variant has not been reported in the literature in individuals affected with RTEL1-related conditions. This sequence change replaces isoleucine, which is neutral and non-polar, with threonine, which is neutral and polar, at codon 602 of the RTEL1 protein (p.Ile602Thr). This variant is present in population databases (no rsID available, gnomAD 0.0009%). ClinVar contains an entry for this variant (Variation ID: 2146150). An algorithm developed to predict the effect of missense changes on protein structure and function (PolyPhen-2) suggests that this variant is likely to be tolerated. In summary, the available evidence is currently insufficient to determine the role of this variant in disease. Therefore, it has been classified as a Variant of Uncertain Significance.

NM_001283009.2(RTEL1):c.1805T>C (p.Ile602Thr)

Genes: RTEL1 (regulator of telomere elongation helicase 1; plus strand), RTEL1-TNFRSF6B (RTEL1-TNFRSF6B readthrough (NMD candidate); plus strand). Cytogenetic location: 20q13.33.
Variant type: single nucleotide variant.
Coding change: c.1805T>C on transcript NM_001283009.2 (MANE Select); coding-DNA position 1805, T replaced by C.
Protein change: p.Ile602Thr; replaces isoleucine 602 with threonine.
Molecular consequence: missense variant. On other transcripts: non-coding transcript variant (1).
Genome position (GRCh38, 1-based): chr20:63,689,059, T>C. VCF-style: chr20-63689059-T-C. GRCh37 (hg19) VCF-style: chr20-62320412-T-C.
Other names: c.1136T>C, p.Ile379Thr (NM_001283010.1); c.1805T>C, p.Ile602Thr (NM_016434.4); c.1877T>C, p.Ile626Thr (NM_032957.5); short protein forms I379T, I602T, I626T.
Identifiers: ClinVar variation 2146150 (VCV002146150.5), dbSNP rs1481119728, ClinGen allele CA409678373.